The following is an entry in ClinVar:

NM_000051.4(ATM):c.6616C>T (p.Gln2206Ter)

Genes: ATM (ATM serine/threonine kinase; plus strand), C11orf65 (chromosome 11 open reading frame 65; minus strand). Cytogenetic location: 11q22.3.
Variant type: single nucleotide variant.
Coding change: c.6616C>T on transcript NM_000051.4 (MANE Select); coding-DNA position 6616, C replaced by T.
Protein change: p.Gln2206Ter; replaces glutamine 2206 with a stop codon.
Molecular consequence: nonsense. On other transcripts: intron variant (2).
Genome position (GRCh38, 1-based): chr11:108,325,353, C>T. VCF-style: chr11-108325353-C-T. GRCh37 (hg19) VCF-style: chr11-108196080-C-T.
Other names: c.6616C>T, p.Gln2206Ter (NM_001351834.2); c.641-16282G>A (NM_001330368.2); c.*38+9867G>A (NM_001351110.2); short protein forms Q2206*.
Identifiers: ClinVar variation 1069594 (VCV001069594.9), dbSNP rs2085554912, ClinGen allele CA382554738.

ClinVar aggregate classification (germline): Pathogenic (1 of 4 stars; one submission).

Conditions:
Ataxia-telangiectasia syndrome (AT). Also called: Ataxia telangiectasia (A-T); ATAXIA-TELANGIECTASIA, COMPLEMENTATION GROUP A; ATAXIA-TELANGIECTASIA, FRESNO VARIANT; Ataxia-telangiectasia; Ataxia-telangiectasia, complementation group E; LOUIS-BAR SYNDROME. Identifiers: Orphanet 100, MedGen C0004135, MONDO:0008840, OMIM 208900.

Submission:

Labcorp Genetics (formerly Invitae), Labcorp
Classification: Pathogenic for Ataxia-telangiectasia syndrome. Last evaluated: 2021-06-06. Review status: criteria provided, single submitter. Criteria: Invitae Variant Classification Sherloc (09022015). Collection method: clinical testing. Allele origin: germline.
Comment: This variant has been observed in individual(s) with breast cancer (PMID: 28724667). This variant is not present in population databases (ExAC no frequency). This sequence change creates a premature translational stop signal (p.Gln2206*) in the ATM gene. It is expected to result in an absent or disrupted protein product. Loss-of-function variants in ATM are known to be pathogenic (PMID: 23807571, 25614872). For these reasons, this variant has been classified as Pathogenic.

Literature cited by the submitters: PubMed 28724667; PubMed 23807571; PubMed 25614872.